The following is an entry in ClinVar:

NM_004946.3(DOCK2):c.3425G>C (p.Gly1142Ala)

Gene: DOCK2 (dedicator of cytokinesis 2; plus strand). Cytogenetic location: 5q35.1.
Variant type: single nucleotide variant.
Coding change: c.3425G>C on transcript NM_004946.3 (MANE Select); coding-DNA position 3425, G replaced by C.
Protein change: p.Gly1142Ala; replaces glycine 1142 with alanine.
Molecular consequence: missense variant. On other transcripts: non-coding transcript variant (1).
Genome position (GRCh38, 1-based): chr5:170,027,906, G>C. VCF-style: chr5-170027906-G-C. GRCh37 (hg19) VCF-style: chr5-169454910-G-C.
Other names: short protein forms G1142A.
Identifiers: ClinVar variation 1036327 (VCV001036327.6), dbSNP rs903239645, ClinGen allele CA132035842.

ClinVar aggregate classification (germline): Uncertain significance (1 of 4 stars; one submission).

Conditions:
DOCK2 deficiency. Also called: Immunodeficiency 40. Identifiers: Orphanet 447737, MedGen C4225328, MONDO:0014637, OMIM 616433.

Allele frequency attached by ClinVar (database versions not stated): gnomAD exomes below 0.00001; gnomAD 0.00001; TOPMed 0.00001.
gnomAD v4.1: 3 of 1,613,430 alleles (0.00019%); highest among the groups gnomAD compares: African/African-American, 0.0027%; no homozygotes.

Submission:

Labcorp Genetics (formerly Invitae), Labcorp
Classification: Uncertain significance for DOCK2 deficiency. Last evaluated: 2021-09-01. Review status: criteria provided, single submitter. Criteria: Invitae Variant Classification Sherloc (09022015). Collection method: clinical testing. Allele origin: germline.
Comment: This sequence change replaces glycine with alanine at codon 1142 of the DOCK2 protein (p.Gly1142Ala). The glycine residue is moderately conserved and there is a small physicochemical difference between glycine and alanine. This variant is not present in population databases (ExAC no frequency). This variant has not been reported in the literature in individuals affected with DOCK2-related conditions. Algorithms developed to predict the effect of missense changes on protein structure and function are either unavailable or do not agree on the potential impact of this missense change (SIFT: "Tolerated"; PolyPhen-2: "Probably Damaging"; Align-GVGD: "Class C0"). In summary, the available evidence is currently insufficient to determine the role of this variant in disease. Therefore, it has been classified as a Variant of Uncertain Significance.